The following is an entry in ClinVar:

NC_012920.1(MT-TY):m.5875C>T

Gene: MT-TY (mitochondrially encoded tRNA tyrosine; minus strand).
Variant type: single nucleotide variant.
Genome position: chrM-5875-C-T.
Identifiers: ClinVar variation 690022 (VCV000690022.1), dbSNP rs1603220162, ClinGen allele CA913180738.

ClinVar aggregate classification (germline): Likely benign (1 of 4 stars; one submission).

Conditions:
MELAS syndrome (MELAS). Also called: Juvenile myopathy, encephalopathy, lactic acidosis, stroke. Identifiers: Orphanet 550, MedGen C0162671, MONDO:0010789, OMIM 540000.

Submission:

Wong Mito Lab, Molecular and Human Genetics, Baylor College of Medicine
Classification: Likely benign for MELAS syndrome. Last evaluated: 2019-07-12. Review status: criteria provided, single submitter. Criteria: Modified ACMG Guidelines (Unpublished). Collection method: clinical testing. Allele origin: germline.
Comment: The NC_012920.1:m.5875C>T variant in MT-TY gene is interpreted to be a Likely Benign variant based on the modified ACMG guidelines (unpublished). This variant meets the following evidence codes reported in the guidelines: BS1, BP4, BP6

Literature cited by the submitters: PubMed 31965079.